The following is an entry in ClinVar:

NM_000238.4(KCNH2):c.2062C>T (p.Gln688Ter)

Gene: KCNH2 (potassium voltage-gated channel subfamily H member 2; minus strand). Cytogenetic location: 7q36.1.
Variant type: single nucleotide variant.
Coding change: c.2062C>T on transcript NM_000238.4 (MANE Select); coding-DNA position 2062, C replaced by T.
Protein change: p.Gln688Ter; replaces glutamine 688 with a stop codon.
Molecular consequence: nonsense.
Genome position (GRCh38, 1-based): chr7:150,951,004, G>A on the plus strand (C>T on the coding strand, the complement: KCNH2 is on the minus strand). VCF-style: chr7-150951004-G-A. GRCh37 (hg19) VCF-style: chr7-150648092-G-A.
Other names: c.1042C>T, p.Gln348Ter (NM_001204798.2, NM_172057.3); c.1774C>T, p.Gln592Ter (NM_001406753.1, NM_001406756.1); c.1885C>T, p.Gln629Ter (NM_001406755.1); c.1762C>T, p.Gln588Ter (NM_001406757.1); c.2062C>T, p.Gln688Ter (NM_172056.3); short protein forms Q348*, Q688*, Q629*, Q588*, Q592*.
Identifiers: ClinVar variation 456901 (VCV000456901.9), dbSNP rs1554425486, ClinGen allele CA369857554.

ClinVar aggregate classification (germline): Pathogenic (1 of 4 stars; one submission).

Conditions:
Long QT syndrome (LQTS). Identifiers: MedGen C0023976, MeSH D008133, MONDO:0002442. Disease mechanism: loss of function. Inheritance: Various modes of inheritance.

Submission:

Labcorp Genetics (formerly Invitae), Labcorp
Classification: Pathogenic for Long QT syndrome. Last evaluated: 2017-06-02. Review status: criteria provided, single submitter. Criteria: Invitae Variant Classification Sherloc (09022015). Collection method: clinical testing. Allele origin: germline.
Comment: This sequence change creates a premature translational stop signal at codon 688 (p.Gln688*) of the KCNH2 gene. It is expected to result in an absent or disrupted protein product. Loss-of-function variants in KCNH2 are known to be pathogenic. This particular variant has been reported in individuals affected with long QT syndrome (PMID: 19926013, 26669661, 27379800). For these reasons, this variant has been classified as Pathogenic.

Literature cited by the submitters: PubMed 19926013; PubMed 26669661; PubMed 27379800.